The following is an entry in ClinVar:

NM_024426.6(WT1):c.575A>G (p.Gln192Arg)

Genes: WT1 (WT1 transcription factor; minus strand), LOC107982234 (WT1/WT1-AS bi-directional promoter region; plus strand). Cytogenetic location: 11p13.
Variant type: single nucleotide variant.
Coding change: c.575A>G on transcript NM_024426.6 (MANE Select); coding-DNA position 575, A replaced by G.
Protein change: p.Gln192Arg; replaces glutamine 192 with arginine.
Molecular consequence: missense variant. On other transcripts: non-coding transcript variant (1).
Genome position (GRCh38, 1-based): chr11:32,434,786, T>C on the plus strand (A>G on the coding strand, the complement: WT1 is on the minus strand). VCF-style: chr11-32434786-T-C. GRCh37 (hg19) VCF-style: chr11-32456332-T-C.
Other names: c.575A>G, p.Gln192Arg (NM_000378.6, NM_024424.5); c.560A>G (NM_024426.4); short protein forms Q192R.
Identifiers: ClinVar variation 1000097 (VCV001000097.11), dbSNP rs1853438394, ClinGen allele CA379964616.

ClinVar aggregate classification (germline): Uncertain significance. Review status: criteria provided, multiple submitters, no conflicts (2 of 4 stars). 3 submissions from 3 submitters: Uncertain significance (3). Last evaluated 2025-08-02.

Conditions:
Inborn genetic diseases. Identifiers: MedGen C0950123, MeSH D030342.
Wilms tumor 1 (WT1). Also called: Wilms tumor, somatic. Identifiers: Orphanet 654, MedGen CN033288, MONDO:0008679, OMIM 194070.
11p partial monosomy syndrome (WAGR). Also called: WAGR Complex; WAGR syndrome; WAGR Spectrum Disorder; CHROMOSOME 11p13 DELETION SYNDROME. Identifiers: Orphanet 893, MedGen C0206115, MONDO:0008681, OMIM 194072.
Drash syndrome (DDS). Also called: WILMS TUMOR AND PSEUDO- OR TRUE HERMAPHRODITISM; NEPHROPATHY, WILMS TUMOR, AND GENITAL ANOMALIES. Identifiers: Orphanet 220, MedGen C0950121, MONDO:0008682, OMIM 194080.
Frasier syndrome. Identifiers: Orphanet 347, MedGen C0950122, MeSH D052159, MONDO:0007635, OMIM 136680.

Submissions (3):

Ambry Genetics
Classification: Uncertain significance for Inborn genetic diseases. Last evaluated: 2025-08-02. Review status: criteria provided, single submitter. Criteria: Ambry Variant Classification Scheme 2023. Collection method: clinical testing. Allele origin: germline.
Comment: The p.Q187R variant (also known as c.560A>G), located in coding exon 1 of the WT1 gene, results from an A to G substitution at nucleotide position 560. The glutamine at codon 187 is replaced by arginine, an amino acid with highly similar properties. This amino acid position is conserved. In addition, the in silico prediction for this alteration is inconclusive. Based on the available evidence, the clinical significance of this variant remains unclear.

All of Us Research Program, National Institutes of Health
Classification: Uncertain significance for Wilms tumor 1. Last evaluated: 2023-06-26. Review status: criteria provided, single submitter. Criteria: ACMG Guidelines, 2015. Collection method: clinical testing. Allele origin: germline. Inheritance: Autosomal dominant inheritance. Observed: 1 variant allele, 1 heterozygote.
Comment: This missense variant replaces glutamine with arginine at codon 187 of the WT1 protein. Computational prediction is inconclusive regarding the impact of this variant on protein structure and function (internally defined REVEL score threshold 0.5 < inconclusive < 0.7, PMID: 27666373). To our knowledge, functional studies have not been reported for this variant. This variant has not been reported in individuals affected with WT1-related disorders in the literature. This variant has not been identified in the general population by the Genome Aggregation Database (gnomAD). The available evidence is insufficient to determine the role of this variant in disease conclusively. Therefore, this variant is classified as a Variant of Uncertain Significance.

This study involves interpretation of variants in research participants for the purpose of population health screening. Participant phenotype was not available at the time of variant classification. Additional details can be found in publication PMID: 35346344, PMCID: PMC8962531

Labcorp Genetics (formerly Invitae), Labcorp
Classification: Uncertain significance for Wilms tumor 1; Drash syndrome; 11p partial monosomy syndrome; Frasier syndrome. Last evaluated: 2020-08-27. Review status: criteria provided, single submitter. Criteria: Invitae Variant Classification Sherloc (09022015). Collection method: clinical testing. Allele origin: germline.
Comment: This variant is not present in population databases (ExAC no frequency). This sequence change replaces glutamine with arginine at codon 187 of the WT1 protein (p.Gln187Arg). The glutamine residue is highly conserved and there is a small physicochemical difference between glutamine and arginine. This variant has not been reported in the literature in individuals with WT1-related conditions. Algorithms developed to predict the effect of missense changes on protein structure and function are either unavailable or do not agree on the potential impact of this missense change (SIFT: "Tolerated"; PolyPhen-2: "Probably Damaging"; Align-GVGD: "Class C0"). In summary, the available evidence is currently insufficient to determine the role of this variant in disease. Therefore, it has been classified as a Variant of Uncertain Significance.